The following is an entry in ClinVar:

ClinVar aggregate classification (germline): Pathogenic (1 of 4 stars; one submission).

Conditions:
Thrombophilia due to protein S deficiency, autosomal recessive (THPH6). Identifiers: Orphanet 743, MedGen C3281092, MONDO:0013791, OMIM 614514. Disease mechanism: loss of function.

Submission:

Labcorp Genetics (formerly Invitae), Labcorp
Classification: Pathogenic for Thrombophilia due to protein S deficiency, autosomal recessive. Last evaluated: 2024-07-26. Review status: criteria provided, single submitter. Criteria: Invitae Variant Classification Sherloc (09022015). Collection method: clinical testing. Allele origin: germline.
Comment: This sequence change creates a premature translational stop signal (p.Leu289Phefs*3) in the PROS1 gene. It is expected to result in an absent or disrupted protein product. Loss-of-function variants in PROS1 are known to be pathogenic (PMID: 9241758). This variant is not present in population databases (gnomAD no frequency). This variant has not been reported in the literature in individuals affected with PROS1-related conditions. For these reasons, this variant has been classified as Pathogenic.

Literature cited by the submitters: PubMed 9241758.

NM_000313.4(PROS1):c.865del (p.Leu289fs)

Gene: PROS1 (protein S; minus strand). Cytogenetic location: 3q11.1.
Variant type: Deletion.
Coding change: c.865del on transcript NM_000313.4 (MANE Select); coding-DNA position 865, one base deleted (C; older notation c.865delC).
Protein change: p.Leu289fs; shifts the reading frame from leucine 289.
Molecular consequence: frameshift variant.
Genome position (GRCh38, 1-based): chr3:93,896,676, G deleted on the plus strand (C on the coding strand, the reverse complement: PROS1 is on the minus strand); the first of 2 consecutive G bases (chr3:93,896,676-93,896,677); deleting either gives the same sequence. VCF-style (leftmost placement, unchanged base first): chr3-93896675-AG-A. GRCh37 (hg19) VCF-style: chr3-93615519-AG-A.
Other names: c.961del, p.Leu321fs (NM_001314077.2); short protein forms L321fs, L289fs.
Identifiers: ClinVar variation 3660668 (VCV003660668.2).